The following is an entry in ClinVar:

ClinVar aggregate classification (germline): Uncertain significance (1 of 4 stars; one submission).

Submission:

Greenwood Genetic Center Diagnostic Laboratories, Greenwood Genetic Center
Classification: Uncertain significance. Last evaluated: 2025-11-26. Review status: criteria provided, single submitter. Criteria: ACMG Guidelines, 2015. Collection method: clinical testing. Allele origin: germline. Affected: yes.
Comment: Gene of Uncertain Significance

NM_017514.5(PLXNA3):c.3289C>A (p.His1097Asn)

Gene: PLXNA3 (plexin A3; plus strand). Cytogenetic location: Xq28.
Variant type: single nucleotide variant.
Coding change: c.3289C>A on transcript NM_017514.5 (MANE Select); coding-DNA position 3289, C replaced by A.
Protein change: p.His1097Asn; replaces histidine 1097 with asparagine.
Molecular consequence: missense variant.
Genome position (GRCh38, 1-based): chrX:154,467,319, C>A. VCF-style: chrX-154467319-C-A. GRCh37 (hg19) VCF-style: chrX-153695662-C-A.
Other names: short protein forms H1097N.
Identifiers: ClinVar variation 4845494 (VCV004845494.1).
Genomic context (GRCh38, chrX:154,467,319, plus strand): 5'-ATGCTGTGTAAGGCCCCCGGCATCTTTCTTGGGCGGCCCCAGCCTCGGGCGCAAGGCGAG[C>A]ACCCTGATGAGTTTGGCTTCCTGCTGGACCACGTGCAAACGGCCCGCTCCCTCAACCGCT-3'
Protein context (NP_059984.3, residues 1087-1107): GRPQPRAQGE[His1097Asn]PDEFGFLLDH